The following is an entry in ClinVar:

NM_024854.5(PYROXD1):c.719A>G (p.His240Arg)

Gene: PYROXD1 (pyridine nucleotide-disulphide oxidoreductase domain 1; plus strand). Cytogenetic location: 12p12.1.
Variant type: single nucleotide variant.
Coding change: c.719A>G on transcript NM_024854.5 (MANE Select); coding-DNA position 719, A replaced by G.
Protein change: p.His240Arg; replaces histidine 240 with arginine.
Molecular consequence: missense variant. On other transcripts: 5 prime UTR variant (1).
Genome position (GRCh38, 1-based): chr12:21,456,064, A>G. VCF-style: chr12-21456064-A-G. GRCh37 (hg19) VCF-style: chr12-21608998-A-G.
Other names: c.506A>G, p.His169Arg (NM_001350912.2); c.-59A>G (NM_001350913.2); short protein forms H169R, H240R.
Identifiers: ClinVar variation 2103846 (VCV002103846.4), dbSNP rs1233627519, ClinGen allele CA384108356.

ClinVar aggregate classification (germline): Uncertain significance (1 of 4 stars; one submission).

Allele frequency attached by ClinVar (database versions not stated): gnomAD 0.00001.
gnomAD v4.1: 5 of 1,610,652 alleles (0.00031%); highest among the groups gnomAD compares: East Asian, 0.0022%; no homozygotes.

Submission:

Labcorp Genetics (formerly Invitae), Labcorp
Classification: Uncertain significance. Last evaluated: 2022-11-22. Review status: criteria provided, single submitter. Criteria: Invitae Variant Classification Sherloc (09022015). Collection method: clinical testing. Allele origin: germline.
Comment: In summary, the available evidence is currently insufficient to determine the role of this variant in disease. Therefore, it has been classified as a Variant of Uncertain Significance. Advanced modeling of protein sequence and biophysical properties (such as structural, functional, and spatial information, amino acid conservation, physicochemical variation, residue mobility, and thermodynamic stability) performed at Invitae indicates that this missense variant is not expected to disrupt PYROXD1 protein function. This variant has not been reported in the literature in individuals affected with PYROXD1-related conditions. This variant is not present in population databases (gnomAD no frequency). This sequence change replaces histidine, which is basic and polar, with arginine, which is basic and polar, at codon 240 of the PYROXD1 protein (p.His240Arg).